The following is an entry in ClinVar:

NM_001172779.2(LRRC34):c.465C>G (p.Tyr155Ter)

Gene: LRRC34 (leucine rich repeat containing 34; minus strand). Cytogenetic location: 3q26.2.
Variant type: single nucleotide variant.
Coding change: c.465C>G on transcript NM_001172779.2 (MANE Select); coding-DNA position 465, C replaced by G.
Protein change: p.Tyr155Ter; replaces tyrosine 155 with a stop codon.
Molecular consequence: nonsense.
Genome position (GRCh38, 1-based): chr3:169,806,911, G>C on the plus strand (C>G on the coding strand, the complement: LRRC34 is on the minus strand). VCF-style: chr3-169806911-G-C. GRCh37 (hg19) VCF-style: chr3-169524699-G-C.
Other names: c.465C>G, p.Tyr155Ter (NM_001172780.2, NM_153353.5); c.282C>G, p.Tyr94Ter (NM_001363888.2, NM_001370608.1, NM_001370609.1); short protein forms Y155*, Y94*.
Identifiers: ClinVar variation 4880128 (VCV004880128.1).

ClinVar aggregate classification (germline): Likely pathogenic (1 of 4 stars; one submission).

Conditions:
Primary ciliary dyskinesia. Also called: Ciliary dyskinesia. Identifiers: Orphanet 244, MedGen C0008780, MONDO:0016575, HP:0012265.

Submission:

Department of Human Genetics, Hannover Medical School
Classification: Likely pathogenic for Primary Ciliary Dyskinesia. Last evaluated: 2026-04-01. Review status: criteria provided, single submitter. Criteria: ACMG Guidelines, 2015. Collection method: research. Allele origin: germline. Affected: no.
Comment: Classification performed by HerediClassify using the following criteria:['PM2_supporting: Variant occures does not occur as homozygous in gnomAD.', 'PVS1_protein_very_strong: Transcript ENST00000446859 is predicted to undergo NMD.']